The following is an entry in ClinVar:

NM_017636.4(TRPM4):c.623del (p.Pro208fs)

Gene: TRPM4 (transient receptor potential cation channel subfamily M member 4; plus strand). Cytogenetic location: 19q13.33.
Variant type: Deletion.
Coding change: c.623del on transcript NM_017636.4 (MANE Select); coding-DNA position 623, one base deleted (C; older notation c.623delC).
Protein change: p.Pro208fs; shifts the reading frame from proline 208.
Molecular consequence: frameshift variant. On other transcripts: 5 prime UTR variant (2).
Genome position (GRCh38, 1-based): chr19:49,168,563, C deleted; the last of 3 consecutive C bases (chr19:49,168,561-49,168,563); deleting any one gives the same sequence. VCF-style (leftmost placement, unchanged base first): chr19-49168560-TC-T. GRCh37 (hg19) VCF-style: chr19-49671817-TC-T.
Other names: c.623del, p.Pro208fs (NM_001195227.2); c.278del, p.Pro93fs (NM_001321281.2); c.-931del (NM_001321282.2); c.101del, p.Pro34fs (NM_001321283.2); c.-227del (NM_001321285.2); short protein forms P208fs, P34fs, P93fs.
Identifiers: ClinVar variation 424546 (VCV000424546.10), dbSNP rs770203558, ClinGen allele CA9568893.

ClinVar aggregate classification (germline): Uncertain significance. Review status: criteria provided, multiple submitters, no conflicts (2 of 4 stars). 3 submissions from 3 submitters: Uncertain significance (3). Last evaluated 2025-12-23.

Conditions:
Cardiovascular phenotype. Identifiers: MedGen CN230736.
Progressive familial heart block type IB (PFHB1B). Identifiers: Orphanet 871, MedGen C1970298, MONDO:0011474, OMIM 604559.

Submissions (3):

Labcorp Genetics (formerly Invitae), Labcorp
Classification: Uncertain significance for Progressive familial heart block type IB. Last evaluated: 2025-12-23. Review status: criteria provided, single submitter. Criteria: Invitae Variant Classification Sherloc (09022015). Collection method: clinical testing. Allele origin: germline.
Comment: This sequence change creates a premature translational stop signal (p.Pro208Leufs*70) in the TRPM4 gene. It is expected to result in an absent or disrupted protein product. However, the current clinical and genetic evidence is not sufficient to establish whether loss-of-function variants in TRPM4 cause disease. This variant is present in population databases (rs770203558, gnomAD 0.002%). This variant has not been reported in the literature in individuals affected with TRPM4-related conditions. ClinVar contains an entry for this variant (Variation ID: 424546). In summary, the available evidence is currently insufficient to determine the role of this variant in disease. Therefore, it has been classified as a Variant of Uncertain Significance.

Ambry Genetics
Classification: Uncertain significance for Cardiovascular phenotype. Last evaluated: 2024-08-29. Review status: criteria provided, single submitter. Criteria: Ambry Variant Classification Scheme 2023. Collection method: clinical testing. Allele origin: germline.
Comment: The c.623delC variant, located in coding exon 6 of the TRPM4 gene, results from a deletion of one nucleotide at nucleotide position 623, causing a translational frameshift with a predicted alternate stop codon (p.P208Lfs*70). This alteration is expected to result in loss of function by premature protein truncation or nonsense-mediated mRNA decay. However, loss of function of TRPM4 has not been clearly established as a mechanism of disease. Based on the available evidence, the clinical significance of this variant remains unclear.

GeneDx
Classification: Uncertain significance. Last evaluated: 2017-03-20. Review status: criteria provided, single submitter. Criteria: GeneDx Variant Classification (06012015). Collection method: clinical testing. Allele origin: germline. Affected: yes.
Comment: The c.623delC variant has not been published as pathogenic or been reported as benign to our knowledge. This variant causes a shift in reading frame starting at codon proline 208, changing it to a leucine, and creating a premature stop codon at position 70 of the new reading frame, denoted p.Pro208LeufsX70. This variant is expected to result in either an abnormal, truncated protein product or loss of protein from this allele through nonsense-mediated mRNA decay. Additionally, the c.623delC variant has not been observed at a significant frequency in large population cohorts (Lek et al., 2016; 1000 Genomes Consortium et al., 2015; Exome Variant Server). Neverthless, frameshift variants in the TRPM4 gene have not been reported in Human Gene Mutation Database in association with disease (Stenson et al., 2014), and haploinsufficiency is not a well-established disease mechanism for the TRPM4 gene.